The following is an entry in ClinVar:

NM_001127464.1:c.4562G>A

Gene: ZNF469 (zinc finger protein 469; plus strand).
Variant type: single nucleotide variant.
Identifiers: ClinVar variation 4826319 (VCV004826319.1).

ClinVar aggregate classification (germline): Uncertain significance (1 of 4 stars; one submission).

Conditions:
Cardiovascular phenotype. Identifiers: MedGen CN230736.

Submission:

Ambry Genetics
Classification: Uncertain significance for Cardiovascular phenotype. Last evaluated: 2026-02-22. Review status: criteria provided, single submitter. Criteria: Ambry Variant Classification Scheme 2023. Collection method: clinical testing. Allele origin: germline.
Comment: The p.C1521Y variant (also known as c.4562G>A), located in coding exon 2 of the ZNF469 gene, results from a G to A substitution at nucleotide position 4562. The cysteine at codon 1521 is replaced by tyrosine, an amino acid with highly dissimilar properties. This amino acid position is conserved. In addition, this alteration is predicted to be tolerated by in silico analysis. Based on the available evidence, the clinical significance of this variant remains unclear.